The following is an entry in ClinVar:

ClinVar aggregate classification (germline): Likely pathogenic (1 of 4 stars; one submission).

Conditions:
Non-acquired combined pituitary hormone deficiency with spine abnormalities (CPHD3). Also called: Combined pituitary hormone deficiency type 3; Winkelman Bethge Pfeiffer syndrome; WBP syndrome. Identifiers: Orphanet 231720, MedGen C3489787, MONDO:0009091, OMIM 221750.

Submission:

Natera, Inc.
Classification: Likely pathogenic for Combined pituitary hormone deficiency type 3. Last evaluated: 2025-03-01. Review status: criteria provided, single submitter. Criteria: Natera Variant Classification Schema (03/2026). Collection method: clinical testing. Allele origin: germline.
Comment: The c.206del variant in LHX3 is a frameshift variant predicted to shift the reading frame beginning at codon 69 and leads to a stop codon 109 codons downstream. This variant is expected to result in nonsense mediated decay, truncation, or a dysfunctional protein product. This variant is rare in the general population with a frequency below the threshold expected for the associated phenotype(s). Given the available evidence, this variant is classified as Likely Pathogenic.

NM_178138.6(LHX3):c.191del (p.Pro64fs)

Gene: LHX3 (LIM homeobox 3; minus strand). Cytogenetic location: 9q34.3.
Variant type: Deletion.
Coding change: c.191del on transcript NM_178138.6 (MANE Select); coding-DNA position 191, one base deleted (C; older notation c.191delC).
Protein change: p.Pro64fs; shifts the reading frame from proline 64.
Molecular consequence: frameshift variant.
Genome position (GRCh38, 1-based): chr9:136,200,642, G deleted on the plus strand (C on the coding strand, the reverse complement: LHX3 is on the minus strand); the first of 2 consecutive G bases (chr9:136,200,642-136,200,643); deleting either gives the same sequence. VCF-style (leftmost placement, unchanged base first): chr9-136200641-TG-T. GRCh37 (hg19) VCF-style: chr9-139092487-TG-T.
Other names: c.158del, p.Pro53fs (NM_001363746.1); c.206del, p.Pro69fs (NM_014564.5); short protein forms P53fs, P64fs, P69fs.
Identifiers: ClinVar variation 4069845 (VCV004069845.2).
Genomic context (GRCh38, chr9:136,200,641, plus strand): 5'-CTTGAAAAAGTCGTCCTTGCAGTAAACGCTCTCCCCTCGGCTGAAGCAGCGCTCGGCCAG[TG>T]GCGTGTGGCAGTCGCTGCACTTGAGACACTTGCTGTGCCAGTGGCGGTCCAGAGCCTTGA-3'